The following is an entry in ClinVar:

NM_000548.5(TSC2):c.5213C>G (p.Ser1738Cys)

Gene: TSC2 (TSC complex subunit 2; plus strand). Cytogenetic location: 16p13.3.
Variant type: single nucleotide variant.
Coding change: c.5213C>G on transcript NM_000548.5 (MANE Select); coding-DNA position 5213, C replaced by G.
Protein change: p.Ser1738Cys; replaces serine 1738 with cysteine.
Molecular consequence: missense variant.
Genome position (GRCh38, 1-based): chr16:2,088,279, C>G. VCF-style: chr16-2088279-C-G. GRCh37 (hg19) VCF-style: chr16-2138280-C-G.
Other names: c.5084C>G, p.Ser1695Cys (NM_021055.3); c.5012C>G, p.Ser1671Cys (NM_001077183.3); c.5144C>G, p.Ser1715Cys (NM_001114382.3); c.4904C>G, p.Ser1635Cys (NM_001318827.2); c.4868C>G, p.Ser1623Cys (NM_001318829.2); c.4481C>G, p.Ser1494Cys (NM_001318831.2); c.5045C>G, p.Ser1682Cys (NM_001318832.2); c.5015C>G, p.Ser1672Cys (NM_001363528.2); and 2 more; short protein forms S1694C, S1738C, S1494C, S1623C, S1671C, S1672C, S1682C, S1691C.
Identifiers: ClinVar variation 1469824 (VCV001469824.6), dbSNP rs2151630518, ClinGen allele CA394314391.

ClinVar aggregate classification (germline): Uncertain significance (1 of 4 stars; one submission).

Conditions:
Tuberous sclerosis 2 (TSC2). Identifiers: Orphanet 805, MedGen C1860707, MONDO:0013199, OMIM 613254.

Submission:

Labcorp Genetics (formerly Invitae), Labcorp
Classification: Uncertain significance for Tuberous sclerosis 2. Last evaluated: 2023-04-29. Review status: criteria provided, single submitter. Criteria: Invitae Variant Classification Sherloc (09022015). Collection method: clinical testing. Allele origin: germline.
Comment: In summary, the available evidence is currently insufficient to determine the role of this variant in disease. Therefore, it has been classified as a Variant of Uncertain Significance. Advanced modeling of protein sequence and biophysical properties (such as structural, functional, and spatial information, amino acid conservation, physicochemical variation, residue mobility, and thermodynamic stability) has been performed at Invitae for this missense variant, however the output from this modeling did not meet the statistical confidence thresholds required to predict the impact of this variant on TSC2 protein function. ClinVar contains an entry for this variant (Variation ID: 1469824). This variant has not been reported in the literature in individuals affected with TSC2-related conditions. This variant is not present in population databases (gnomAD no frequency). This sequence change replaces serine, which is neutral and polar, with cysteine, which is neutral and slightly polar, at codon 1738 of the TSC2 protein (p.Ser1738Cys).